The following is an entry in ClinVar:

NM_173495.3(PTCHD1):c.590_591del (p.Val197fs)

Gene: PTCHD1 (patched domain containing 1; plus strand). Cytogenetic location: Xp22.11.
Variant type: Microsatellite.
Coding change: c.590_591del on transcript NM_173495.3 (MANE Select); coding-DNA positions 590 to 591, 2 bases deleted (TG; older notation c.590_591delTG).
Protein change: p.Val197fs; shifts the reading frame from valine 197.
Molecular consequence: frameshift variant.
Genome position (GRCh38, 1-based): chrX:23,379,829-23,379,830, TG deleted; deleting any 2 consecutive bases within chrX:23,379,827-23,379,830 gives the same sequence; the c. name uses the placement nearest the transcript's 3' end. VCF-style (leftmost placement, unchanged base first): chrX-23379826-CTG-C. GRCh37 (hg19) VCF-style: chrX-23397943-CTG-C.
Other names: short protein forms V197fs.
Identifiers: ClinVar variation 818018 (VCV000818018.1), dbSNP rs1601914175, ClinGen allele CA915950798.

ClinVar aggregate classification (germline): Pathogenic (1 of 4 stars; one submission).

Submission:

GeneDx
Classification: Pathogenic. Last evaluated: 2019-02-27. Review status: criteria provided, single submitter. Criteria: GeneDx Variant Classification (06012015). Collection method: clinical testing. Allele origin: germline. Affected: yes.
Comment: The c.590_591delTG pathogenic variant in the PTCHD1 gene has not been reported previously as a pathogenic variant, nor as a benign variant, to our knowledge. The c.590_591delTG variant causes a frameshift starting with codon Valine 197, changes this amino acid to an Alanine residue, and creates a premature Stop codon at position 26 of the new reading frame, denoted p.Val197AlafsX26. This variant is predicted to cause loss of normal protein function either through protein truncation or nonsense-mediated mRNA decay. The c.590_591delTG variant is not observed in large population cohorts (Lek et al., 2016). We interpret c.590_591delTG as a pathogenic variant.